The following is an entry in ClinVar:

ClinVar aggregate classification (germline): Benign/Likely benign. Review status: criteria provided, multiple submitters, no conflicts (2 of 4 stars). 3 submissions from 3 submitters: Benign (1); Likely benign (1). 1 of the submissions does not count toward it. Last evaluated 2024-07-02.

Conditions:
ANTXR1-related disorder. Also called: ANTXR1-related condition.

Allele frequency attached by ClinVar (database versions not stated): TOPMed 0.00022; gnomAD 0.00027; 1000 Genomes Project 30x 0.00031; gnomAD exomes 0.00032; ExAC 0.00038; 1000 Genomes Project 0.00040.
gnomAD v4.1: 550 of 1,614,216 alleles (0.034%); highest among the groups gnomAD compares: East Asian, 1%; 4 homozygotes.

Submissions (4):

Blueprint Genetics
Classification: Likely benign. Last evaluated: 2024-07-02. Review status: criteria provided, single submitter. Criteria: ACMG Guidelines, 2015. Collection method: clinical testing. Allele origin: germline.

Labcorp Genetics (formerly Invitae), Labcorp
Classification: Benign. Last evaluated: 2022-06-28. Review status: criteria provided, single submitter. Criteria: Invitae Variant Classification Sherloc (09022015). Collection method: clinical testing. Allele origin: germline.

PreventionGenetics, part of Exact Sciences
Classification: Likely benign for ANTXR1-related condition. Last evaluated: 2021-09-21. Review status: no assertion criteria provided. Collection method: clinical testing. Allele origin: germline. Not counted in ClinVar's aggregate classification.
Comment: This variant is classified as likely benign based on ACMG/AMP sequence variant interpretation guidelines (Richards et al. 2015 PMID: 25741868, with internal and published modifications).

Dr. Peter K. Rogan Lab, Western University
No classification provided (evidence only). Condition: Familial cancer of breast. Review status: no classification provided. Collection method: in vitro. Allele origin: not applicable. Functional consequence: retained intron. Not counted in ClinVar's aggregate classification.

NM_032208.3(ANTXR1):c.1224T>G (p.Ala408=)

Gene: ANTXR1 (ANTXR cell adhesion molecule 1; plus strand). Cytogenetic location: 2p13.3.
Variant type: single nucleotide variant.
Coding change: c.1224T>G on transcript NM_032208.3 (MANE Select); coding-DNA position 1224, T replaced by G.
Protein change: p.Ala408=; no amino-acid change (alanine 408 retained).
Molecular consequence: synonymous variant.
Genome position (GRCh38, 1-based): chr2:69,182,531, T>G. VCF-style: chr2-69182531-T-G. GRCh37 (hg19) VCF-style: chr2-69409663-T-G.
Other names: c.1224T>G (NM_032208.2).
Identifiers: ClinVar variation 2049929 (VCV002049929.8), dbSNP rs138963459, ClinGen allele CA1693278.
Genomic context (GRCh38, chr2:69,182,531, plus strand): 5'-CATTGTATTTTGTTTATTTTAGGTTCGTTGGGGAGAAAAGGGCTCCACAGAAGAAGGTGC[T>G]AAGTTGGAAAAGGCAAAGAATGCAAGAGTCAAGATGCCGGAGCAGGAATATGAATTCCCT-3'
Protein context (NP_115584.1, residues 398-418): WGEKGSTEEG[Ala408=]KLEKAKNARV